The following is an entry in ClinVar:

ClinVar aggregate classification (germline): Uncertain significance (1 of 4 stars; one submission).

Submission:

Labcorp Genetics (formerly Invitae), Labcorp
Classification: Uncertain significance. Last evaluated: 2022-01-16. Review status: criteria provided, single submitter. Criteria: Invitae Variant Classification Sherloc (09022015). Collection method: clinical testing. Allele origin: germline.
Comment: This variant has not been reported in the literature in individuals affected with GPR179-related conditions. This variant is not present in population databases (gnomAD no frequency). This sequence change replaces lysine, which is basic and polar, with glutamic acid, which is acidic and polar, at codon 1210 of the GPR179 protein (p.Lys1210Glu). Algorithms developed to predict the effect of missense changes on protein structure and function (SIFT, PolyPhen-2, Align-GVGD) all suggest that this variant is likely to be tolerated. In summary, the available evidence is currently insufficient to determine the role of this variant in disease. Therefore, it has been classified as a Variant of Uncertain Significance.

NM_001004334.4(GPR179):c.3628A>G (p.Lys1210Glu)

Gene: GPR179 (G protein-coupled receptor 179; minus strand). Cytogenetic location: 17q12.
Variant type: single nucleotide variant.
Coding change: c.3628A>G on transcript NM_001004334.4 (MANE Select); coding-DNA position 3628, A replaced by G.
Protein change: p.Lys1210Glu; replaces lysine 1210 with glutamic acid.
Molecular consequence: missense variant.
Genome position (GRCh38, 1-based): chr17:38,329,941, T>C on the plus strand (A>G on the coding strand, the complement: GPR179 is on the minus strand). VCF-style: chr17-38329941-T-C. GRCh37 (hg19) VCF-style: chr17-36485824-T-C.
Other names: short protein forms K1210E.
Identifiers: ClinVar variation 2085384 (VCV002085384.4), dbSNP rs2512160794, ClinGen allele CA398879008.